The following is an entry in ClinVar:

NM_020312.4(COQ9):c.711+2T>G

Gene: COQ9 (coenzyme Q9; plus strand). Cytogenetic location: 16q21.
Variant type: single nucleotide variant.
Coding change: c.711+2T>G on transcript NM_020312.4 (MANE Select); the canonical splice donor site of the intron after coding-DNA position 711, T replaced by G.
Molecular consequence: splice donor variant.
Genome position (GRCh38, 1-based): chr16:57,458,352, T>G. VCF-style: chr16-57458352-T-G. GRCh37 (hg19) VCF-style: chr16-57492264-T-G.
Identifiers: ClinVar variation 3723095 (VCV003723095.2).

ClinVar aggregate classification (germline): Likely pathogenic (1 of 4 stars; one submission).

gnomAD v4.1: 1 of 1,603,900 alleles (0.000062%); highest among the groups gnomAD compares: East Asian, 0.0022%; no homozygotes.

Submission:

Labcorp Genetics (formerly Invitae), Labcorp
Classification: Likely pathogenic. Last evaluated: 2024-10-31. Review status: criteria provided, single submitter. Criteria: Invitae Variant Classification Sherloc (09022015). Collection method: clinical testing. Allele origin: germline.
Comment: This sequence change affects a donor splice site in intron 6 of the COQ9 gene. It is expected to disrupt RNA splicing. Variants that disrupt the donor or acceptor splice site typically lead to a loss of protein function (PMID: 16199547), and loss-of-function variants in COQ9 are known to be pathogenic (PMID: 19375058, 26081641). This variant is not present in population databases (gnomAD no frequency). This variant has not been reported in the literature in individuals affected with COQ9-related conditions. Algorithms developed to predict the effect of sequence changes on RNA splicing suggest that this variant may disrupt the consensus splice site. In summary, the currently available evidence indicates that the variant is pathogenic, but additional data are needed to prove that conclusively. Therefore, this variant has been classified as Likely Pathogenic.

Literature cited by the submitters: PubMed 16199547; PubMed 19375058; PubMed 26081641.